The following is an entry in ClinVar:

NM_000395.3(CSF2RB):c.55C>T (p.Arg19Cys)

Gene: CSF2RB (colony stimulating factor 2 receptor subunit beta; plus strand). Cytogenetic location: 22q12.3.
Variant type: single nucleotide variant.
Coding change: c.55C>T on transcript NM_000395.3 (MANE Select); coding-DNA position 55, C replaced by T.
Protein change: p.Arg19Cys; replaces arginine 19 with cysteine.
Molecular consequence: missense variant.
Genome position (GRCh38, 1-based): chr22:36,922,262, C>T. VCF-style: chr22-36922262-C-T. GRCh37 (hg19) VCF-style: chr22-37318304-C-T.
Other names: c.55C>T, p.Arg19Cys (NM_001410827.1); short protein forms R19C.
Identifiers: ClinVar variation 4701916 (VCV004701916.1).
Genomic context (GRCh38, chr22:36,922,262, plus strand): 5'-AGGGAGATGGTGCTGGCCCAGGGGCTGCTCTCCATGGCCCTGCTGGCCCTGTGCTGGGAG[C>T]GCAGCCTGGCAGGGGCAGAAGGTGAGTCCCGTGGCTCCCACCCACTTCCCTGTCCCTGTC-3'
Protein context (NP_000386.1, residues 9-29): SMALLALCWE[Arg19Cys]SLAGAEETIP

ClinVar aggregate classification (germline): Uncertain significance (1 of 4 stars; one submission).

gnomAD v4.1: 12 of 1,580,638 alleles (0.00076%); highest among the groups gnomAD compares: South Asian, 0.0081%; no homozygotes.

Submission:

Labcorp Genetics (formerly Invitae), Labcorp
Classification: Uncertain significance. Last evaluated: 2025-07-15. Review status: criteria provided, single submitter. Criteria: Invitae Variant Classification Sherloc (09022015). Collection method: clinical testing. Allele origin: germline.
Comment: This sequence change replaces arginine, which is basic and polar, with cysteine, which is neutral and slightly polar, at codon 19 of the CSF2RB protein (p.Arg19Cys). The frequency data for this variant in the population databases is considered unreliable, as metrics indicate poor data quality at this position in the gnomAD database. This variant has not been reported in the literature in individuals affected with CSF2RB-related conditions. Invitae Evidence Modeling of protein sequence and biophysical properties (such as structural, functional, and spatial information, amino acid conservation, physicochemical variation, residue mobility, and thermodynamic stability) indicates that this missense variant is not expected to disrupt CSF2RB protein function with a negative predictive value of 80%. In summary, the available evidence is currently insufficient to determine the role of this variant in disease. Therefore, it has been classified as a Variant of Uncertain Significance.